The following is an entry in ClinVar:

NM_000836.4(GRIN2D):c.2697_2698inv (p.Glu900Lys)

Gene: GRIN2D (glutamate ionotropic receptor NMDA type subunit 2D; plus strand). Cytogenetic location: 19q13.33.
Variant type: Inversion.
Coding change: c.2697_2698inv on transcript NM_000836.4 (MANE Select).
Protein change: p.Glu900Lys; replaces glutamic acid 900 with lysine.
Molecular consequence: missense variant.
Genome position: GRCh38 VCF-style: chr19-48442623-TG-CA. GRCh37 (hg19) VCF-style: chr19-48945880-TG-CA.
Other names: short protein forms E900K.
Identifiers: ClinVar variation 1417541 (VCV001417541.7), ClinGen allele CA2573156516.
Genomic context (GRCh38, chr19:48,442,623, plus strand): 5'-TCTCGCGCTGACCCCCGTCCTGTCCCCGGACCCGCAGGGCATGTACAGCTGCTGCAGCGC[TG>CA]AGGCCGCCCCACCGCCCGCCAAGCCCCCGCCGCCGCCACAGCCCCTGCCCAGCCCCGCGT-3'
Protein context (NP_000827.2, residues 890-910): SRGMYSCCSA[Glu900Lys]AAPPPAKPPP

ClinVar aggregate classification (germline): Uncertain significance (1 of 4 stars; one submission).

Submission:

Labcorp Genetics (formerly Invitae), Labcorp
Classification: Uncertain significance. Last evaluated: 2023-10-08. Review status: criteria provided, single submitter. Criteria: Invitae Variant Classification Sherloc (09022015). Collection method: clinical testing. Allele origin: germline.
Comment: This sequence change replaces glutamic acid, which is acidic and polar, with lysine, which is basic and polar, at codon 900 of the GRIN2D protein (p.Glu900Lys). Information on the frequency of this variant in the gnomAD database is not available, as this variant may be reported differently in the database. This variant has not been reported in the literature in individuals affected with GRIN2D-related conditions. ClinVar contains an entry for this variant (Variation ID: 1417541). Experimental studies and prediction algorithms are not available or were not evaluated, and the functional significance of this variant is currently unknown. In summary, the available evidence is currently insufficient to determine the role of this variant in disease. Therefore, it has been classified as a Variant of Uncertain Significance.